The following is an entry in ClinVar:

ClinVar aggregate classification (germline): Pathogenic. Review status: criteria provided, multiple submitters, no conflicts (2 of 4 stars). 10 submissions from 10 submitters: Pathogenic (9). 1 of the submissions does not count toward it. Last evaluated 2025-12-10.

Conditions:
Marfan syndrome (MFS). Also called: Marfan syndrome, classic; FBN1-Related Marfan Syndrome; Marfan syndrome type 1; Marfan's syndrome; MARFAN SYNDROME, TYPE I. Identifiers: Orphanet 284963, Orphanet 558, MedGen C0024796, MONDO:0007947, OMIM 154700.
MASS syndrome (OCTD). Also called: OVERLAP CONNECTIVE TISSUE DISEASE; MASS PHENOTYPE. Identifiers: MedGen C1858556, MONDO:0011431, OMIM 604308.
Weill-Marchesani syndrome 2, dominant. Also called: Weill-Marchesani Syndrome, Autosomal Dominant; FBN1-Related Weill-Marchesani Syndrome. Identifiers: Orphanet 2084, MedGen C1869115, MONDO:0012013, OMIM 608328.
Acromicric dysplasia (ACMICD). Also called: Acromicric skeletal dysplasia. Identifiers: Orphanet 969, MedGen C0265287, MONDO:0007055, OMIM 102370.
Ectopia lentis 1, isolated, autosomal dominant (ECTOL1). Identifiers: Orphanet 1885, MedGen C3541518, MONDO:0007514, OMIM 129600.
Stiff skin syndrome (SSKS). Identifiers: Orphanet 2833, MedGen C1861456, MONDO:0008492, OMIM 184900.
Geleophysic dysplasia 2 (GPHYSD2). Identifiers: Orphanet 2623, MedGen C3280054, MONDO:0013612, OMIM 614185.
Progeroid and marfanoid aspect-lipodystrophy syndrome. Also called: MARFANOID-PROGEROID SYNDROME; MARFAN-PROGEROID-LIPODYSTROPHY SYNDROME; Marfan lipodystrophy syndrome; MARFANOID-PROGEROID-LIPODYSTROPHY SYNDROME. Identifiers: Orphanet 300382, MedGen C4310796, MONDO:0014831, OMIM 616914.
Marfan Syndrome/Loeys-Dietz Syndrome/Familial Thoracic Aortic Aneurysms and Dissections. Identifiers: MedGen CN229799.
Familial thoracic aortic aneurysm and aortic dissection (TAAD). Also called: Thoracic aortic aneurysms and dissections. Identifiers: Orphanet 91387, MedGen C4707243, MONDO:0019625.
FBN1-related disorder. Also called: FBN1-related disorders.

Allele frequency attached by ClinVar (database versions not stated): gnomAD exomes below 0.00001.
gnomAD v4.1: 2 of 1,614,026 alleles (0.00012%); highest among the groups gnomAD compares: Non-Finnish European, 0.00017%; no homozygotes.

Submissions (10):

Labcorp Genetics (formerly Invitae), Labcorp
Classification: Pathogenic for Marfan syndrome; Familial thoracic aortic aneurysm and aortic dissection. Last evaluated: 2025-12-10. Review status: criteria provided, single submitter. Criteria: Invitae Variant Classification Sherloc (09022015). Collection method: clinical testing. Allele origin: germline.
Comment: This sequence change creates a premature translational stop signal (p.Arg1541*) in the FBN1 gene. It is expected to result in an absent or disrupted protein product. Loss-of-function variants in FBN1 are known to be pathogenic (PMID: 17657824, 19293843). This variant is not present in population databases (gnomAD no frequency). This premature translational stop signal has been observed in individuals with Marfan syndrome (PMID: 10647894, 11933199, 12161601, 12700307, 16222657, 17657824, 23684891). It has also been observed to segregate with disease in related individuals. ClinVar contains an entry for this variant (Variation ID: 200052). For these reasons, this variant has been classified as Pathogenic.

Fulgent Genetics
Classification: Pathogenic for Acromicric dysplasia; Ectopia lentis 1, isolated, autosomal dominant; Marfan syndrome; Stiff skin syndrome; MASS syndrome; Weill-Marchesani syndrome 2, dominant; Geleophysic dysplasia 2; Progeroid and marfanoid aspect-lipodystrophy syndrome. Last evaluated: 2024-01-22. Review status: criteria provided, single submitter. Criteria: ACMG Guidelines, 2015. Collection method: clinical testing. Allele origin: germline.

GeneDx
Classification: Pathogenic. Last evaluated: 2022-05-13. Review status: criteria provided, single submitter. Criteria: GeneDx Variant Classification Process June 2021. Collection method: clinical testing. Allele origin: germline. Affected: yes.
Comment: Nonsense variant predicted to result in protein truncation or nonsense mediated decay in a gene for which loss-of-function is a known mechanism of disease; Not observed at significant frequency in large population cohorts (gnomAD); This variant is associated with the following publications: (PMID: 11933199, 19012347, 12915484, 31536524, 30341550, 31098894, 25525159, 16220557, 18435798, 19618372, 21542060, 11700157, 12068374, 22913777, 17657824, 10647894, 23684891, 16222657, 12161601, 12700307, 25101912, 28973303, 34921932)

Centre of Medical Genetics, University of Antwerp
Classification: Pathogenic for Marfan syndrome. Last evaluated: 2021-03-01. Review status: criteria provided, single submitter. Criteria: Submitter's publication. Collection method: research. Allele origin: unknown. Affected: yes.
Comment: PM2, PVS1, PP4

Blueprint Genetics
Classification: Pathogenic for FBN1-related disorders. Last evaluated: 2019-04-23. Review status: criteria provided, single submitter. Criteria: ACMG Guidelines, 2015. Collection method: clinical testing. Allele origin: germline. Affected: yes. Observed: 2 variant alleles.

CHEO Genetics Diagnostic Laboratory, Children's Hospital of Eastern Ontario
Classification: Pathogenic for Familial thoracic aortic aneurysm and aortic dissection. Last evaluated: 2019-02-26. Review status: criteria provided, single submitter. Criteria: ACMG Guidelines, 2015. Collection method: clinical testing. Allele origin: germline.

Center for Genomics, Ann and Robert H. Lurie Children's Hospital of Chicago
Classification: Pathogenic for Marfan syndrome. Last evaluated: 2017-08-01. Review status: criteria provided, single submitter. Criteria: ACMG Guidelines, 2015. Collection method: clinical testing. Allele origin: germline.
Comment: FBN1 NM_000138.4 exon38 p.Arg1541* (c.4621C>T): This variant has been reported in at least 7 individuals with a clinical diagnosis or suspicion of Marfan syndrome, segregating with disease in >10 affected relatives (Halliday 1999 PMID:10647894, Loeys 2001 PMID:11700157, Halliday 2002 PMID:12161601, Matyas 2002 PMID:11933199, Behan 2003 PMID:12700307, Arbustini 2005 PMID:16222657). This variant is not present in large population studies. This variant is predicted to cause a stopgain at this codon, resulting in protein truncation or loss of allelic expression through nonsense-mediated mRNA decay. Loss of function variants are a known mechanism of disease for this gene (Dietz, PMID: 20301510). In summary, this variant is classified as pathogenic based on the data above (several probands with variant and disease, segregation studies absence from controls, impact to protein).

Women's Health and Genetics/Laboratory Corporation of America, LabCorp
Classification: Pathogenic for Marfan Syndrome/Loeys-Dietz Syndrome/Familial Thoracic Aortic Aneurysms and Dissections. Last evaluated: 2017-01-20. Review status: criteria provided, single submitter. Criteria: LabCorp Variant Classification Summary - May 2015. Collection method: clinical testing. Allele origin: germline.
Comment: Variant summary: The FBN1 c.4621C>T (p.Arg1541X) variant results in a premature termination codon, predicted to cause a truncated or absent FBN1 protein due to nonsense mediated decay, which are commonly known mechanisms for disease. One in silico tool predicts a damaging outcome for this variant. This variant is absent in 121346 control chromosomes and has been reported in numerous affected individuals in the literature. In addition, multiple clinical diagnostic laboratories/reputable databases classified this variant as pathogenic. Taken together, this variant is classified as pathogenic.

Ambry Genetics
Classification: Pathogenic for Familial thoracic aortic aneurysm and aortic dissection. Last evaluated: 2016-10-13. Review status: criteria provided, single submitter. Criteria: Ambry Variant Classification Scheme 2023. Collection method: clinical testing. Allele origin: germline.
Comment: The p.R1541* pathogenic mutation (also known as c.4621C>T), located in coding exon 37 of the FBN1 gene, results from a C to T substitution at nucleotide position 4621. This changes the amino acid from an arginine to a stop codon within coding exon 37. This alteration has been found to result in reduced levels of fibrillin-1 (Halliday D et al. Hum. Genet., 1999 Dec;105:587-97). Multiple studies have identified the alteration in patients with a diagnosis of Marfan syndrome or Marfan-related symptoms (Loeys B et al. Arch. Intern. Med., 2001 Nov;161:2447-54; Arbustini E et al. Hum. Mutat., 2005 Nov;26:494; Behan WM et al. J. Neurol. Neurosurg. Psychiatr., 2003 May;74:633-8). In addition to the clinical data presented in the literature, this alteration is expected to result in loss of function by premature protein truncation or nonsense-mediated mRNA decay. As such, this alteration is interpreted as a disease-causing mutation.

Center for Medical Genetics Ghent, University of Ghent
Classification: Pathogenic for Marfan syndrome. Last evaluated: 2017-11-07. Review status: no assertion criteria provided. Collection method: clinical testing. Allele origin: germline. Affected: yes. Not counted in ClinVar's aggregate classification.

Literature cited by the submitters: PubMed 17657824 (cited by Labcorp Genetics (formerly Invitae), Labcorp and Women's Health and Genetics/Laboratory Corporation of America, LabCorp); PubMed 19293843 (cited by Labcorp Genetics (formerly Invitae), Labcorp); PubMed 10647894 (cited by 3 submitters); PubMed 11933199 (cited by Labcorp Genetics (formerly Invitae), Labcorp); PubMed 12161601 (cited by Labcorp Genetics (formerly Invitae), Labcorp); PubMed 12700307 (cited by Labcorp Genetics (formerly Invitae), Labcorp and Ambry Genetics); PubMed 16222657 (cited by Labcorp Genetics (formerly Invitae), Labcorp and Ambry Genetics); PubMed 23684891 (cited by Labcorp Genetics (formerly Invitae), Labcorp); PubMed 11700157 (cited by Women's Health and Genetics/Laboratory Corporation of America, LabCorp and Ambry Genetics); PubMed 12068374 (cited by Women's Health and Genetics/Laboratory Corporation of America, LabCorp); PubMed 16220557 (cited by Women's Health and Genetics/Laboratory Corporation of America, LabCorp); PubMed 18435798 (cited by Women's Health and Genetics/Laboratory Corporation of America, LabCorp).

NM_000138.5(FBN1):c.4621C>T (p.Arg1541Ter)

Gene: FBN1 (fibrillin 1; minus strand). Cytogenetic location: 15q21.1.
Variant type: single nucleotide variant.
Coding change: c.4621C>T on transcript NM_000138.5 (MANE Select); coding-DNA position 4621, C replaced by T.
Protein change: p.Arg1541Ter; replaces arginine 1541 with a stop codon.
Molecular consequence: nonsense.
Genome position (GRCh38, 1-based): chr15:48,468,064, G>A on the plus strand (C>T on the coding strand, the complement: FBN1 is on the minus strand). VCF-style: chr15-48468064-G-A. GRCh37 (hg19) VCF-style: chr15-48760261-G-A.
Other names: p.R1541X:CGA>TGA; short protein forms R1541*.
Identifiers: ClinVar variation 200052 (VCV000200052.36), dbSNP rs794728228, ClinGen allele CA015252.